The following is an entry in ClinVar:

NM_001267550.2(TTN):c.97717C>T (p.Arg32573Cys)

Genes: TTN-AS1 (TTN antisense RNA 1; plus strand), TTN (titin; minus strand). Cytogenetic location: 2q31.2.
Variant type: single nucleotide variant.
Coding change: c.97717C>T on transcript NM_001267550.2 (MANE Select); coding-DNA position 97717, C replaced by T.
Protein change: p.Arg32573Cys; replaces arginine 32573 with cysteine.
Molecular consequence: missense variant.
Genome position (GRCh38, 1-based): chr2:178,541,360, G>A on the plus strand (C>T on the coding strand, the complement: TTN is on the minus strand). VCF-style: chr2-178541360-G-A. GRCh37 (hg19) VCF-style: chr2-179406087-G-A.
Other names: c.92794C>T, p.Arg30932Cys (NM_001256850.1); c.70522C>T, p.Arg23508Cys (NM_003319.4); c.90013C>T, p.Arg30005Cys (NM_133378.4); c.70897C>T, p.Arg23633Cys (NM_133432.3); c.71098C>T, p.Arg23700Cys (NM_133437.4); short protein forms R30005C, R32573C, R23508C, R23633C, R23700C, R30932C.
Identifiers: ClinVar variation 332714 (VCV000332714.32), dbSNP rs569593251, ClinGen allele CA1986502.

ClinVar aggregate classification (germline): Conflicting classifications of pathogenicity. Review status: criteria provided, conflicting classifications (1 of 4 stars). 9 submissions from 5 submitters: Uncertain significance (6); Benign (1); Likely benign (2). Last evaluated 2025-08-27.

Conditions:
Tibial muscular dystrophy (TMD). Also called: Udd Distal Myopathy – Tibial Muscular Dystrophy; UDD MYOPATHY; Tibial muscular dystrophy, tardive. Identifiers: Orphanet 609, MedGen C1838244, MONDO:0010870, OMIM 600334.
Early-onset myopathy with fatal cardiomyopathy (CMYO5). Also called: CONGENITAL MYOPATHY 5 WITH CARDIOMYOPATHY; Salih Myopathy. Identifiers: Orphanet 289377, MedGen C2673677, MONDO:0012714, OMIM 611705. Disease mechanism: loss of function.
Myopathy, myofibrillar, 9, with early respiratory failure (MFM9). Also called: Myopathy, distal, with early respiratory failure, autosomal dominant; EDSTROM MYOPATHY; Hereditary myopathy with early respiratory failure; MYOPATHY, PROXIMAL, WITH EARLY RESPIRATORY MUSCLE INVOLVEMENT. Identifiers: Orphanet 178464, Orphanet 34521, MedGen C1863599, MONDO:0011362, OMIM 603689.
TTN-related disorder. Also called: TTN-related condition; TTN-related disease; TTN-related disorders.
Autosomal recessive limb-girdle muscular dystrophy type 2J (LGMDR10). Also called: MUSCULAR DYSTROPHY, LIMB-GIRDLE, AUTOSOMAL RECESSIVE 10; Limb-girdle muscular dystrophy, type 2J. Identifiers: Orphanet 140922, MedGen C1837342, MONDO:0012127, OMIM 608807.
Dilated cardiomyopathy 1G (CMD1G). Identifiers: Orphanet 154, MedGen C1858763, MONDO:0011400, OMIM 604145.

Allele frequency attached by ClinVar (database versions not stated): gnomAD 0.00004 and 0.00007; TOPMed 0.00005; gnomAD exomes 0.00006; ExAC 0.00020; 1000 Genomes Project 30x 0.00031; 1000 Genomes Project 0.00040.

Submissions (9):

PreventionGenetics, part of Exact Sciences
Classification: Uncertain significance for TTN-related condition. Last evaluated: 2025-08-27. Review status: criteria provided, single submitter. Criteria: ACMG Guidelines, 2015. Collection method: clinical testing. Allele origin: germline.
Comment: The TTN c.97717C>T variant is predicted to result in the amino acid substitution p.Arg32573Cys. This variant has been reported in a cohort study of individuals with dilated cardiomyopathy; however, no detailed case-level information was available (referred to as c.71098C>T (p.Arg23700Cys) in the alternate transcript NM_133437 in Supplemental Table 6, Haas et al. 2015. PubMed ID: 25163546). This variant is reported in 0.021% of alleles in individuals of South Asian descent in gnomAD. At this time, the clinical significance of this variant is uncertain due to the absence of conclusive functional and genetic evidence.

CeGaT Center for Human Genetics Tuebingen
Classification: Uncertain significance. Last evaluated: 2024-01-01. Review status: criteria provided, single submitter. Criteria: CeGaT Center For Human Genetics Tuebingen Variant Classification Criteria Version 2. Collection method: clinical testing. Allele origin: germline. Affected: yes. Observed: 1 variant allele.

Revvity Omics, Revvity
Classification: Uncertain significance. Last evaluated: 2021-01-19. Review status: criteria provided, single submitter. Criteria: ACMG Guidelines, 2015. Collection method: clinical testing. Allele origin: germline.

GeneDx
Classification: Likely benign. Last evaluated: 2019-03-15. Review status: criteria provided, single submitter. Criteria: GeneDx Variant Classification Process June 2021. Collection method: clinical testing. Allele origin: germline. Affected: yes.
Comment: This variant is associated with the following publications: (PMID: 25163546)

Illumina Laboratory Services, Illumina
Classification: Uncertain significance for Dilated cardiomyopathy 1G. Last evaluated: 2018-01-13. Review status: criteria provided, single submitter. Criteria: ICSL Variant Classification Criteria 13 December 2019. Collection method: clinical testing. Allele origin: germline.

Illumina Laboratory Services, Illumina
Classification: Uncertain significance for Early-onset myopathy with fatal cardiomyopathy. Last evaluated: 2018-01-13. Review status: criteria provided, single submitter. Criteria: ICSL Variant Classification Criteria 13 December 2019. Collection method: clinical testing. Allele origin: germline.

Illumina Laboratory Services, Illumina
Classification: Benign for Tibial muscular dystrophy. Last evaluated: 2018-01-13. Review status: criteria provided, single submitter. Criteria: ICSL Variant Classification Criteria 13 December 2019. Collection method: clinical testing. Allele origin: germline.
Comment: This variant was observed in the ICSL laboratory as part of a predisposition screen in an ostensibly healthy population. It had not been previously curated by ICSL or reported in the Human Gene Mutation Database (HGMD: prior to June 1st, 2018), and was therefore a candidate for classification through an automated scoring system. Utilizing variant allele frequency, disease prevalence and penetrance estimates, and inheritance mode, an automated score was calculated to assess if this variant is too frequent to cause the disease. Based on the score and internal cut-off values, a variant classified as benign is not then subjected to further curation. The score for this variant resulted in a classification of benign for this disease.

Illumina Laboratory Services, Illumina
Classification: Uncertain significance for Autosomal recessive limb-girdle muscular dystrophy type 2J. Last evaluated: 2018-01-13. Review status: criteria provided, single submitter. Criteria: ICSL Variant Classification Criteria 13 December 2019. Collection method: clinical testing. Allele origin: germline.

Illumina Laboratory Services, Illumina
Classification: Likely benign for Myopathy, myofibrillar, 9, with early respiratory failure. Last evaluated: 2018-01-13. Review status: criteria provided, single submitter. Criteria: ICSL Variant Classification Criteria 13 December 2019. Collection method: clinical testing. Allele origin: germline.
Comment: This variant was observed in the ICSL laboratory as part of a predisposition screen in an ostensibly healthy population. It had not been previously curated by ICSL or reported in the Human Gene Mutation Database (HGMD: prior to June 1st, 2018), and was therefore a candidate for classification through an automated scoring system. Utilizing variant allele frequency, disease prevalence and penetrance estimates, and inheritance mode, an automated score was calculated to assess if this variant is too frequent to cause the disease. Based on the score and internal cut-off values, a variant classified as likely benign is not then subjected to further curation. The score for this variant resulted in a classification of likely benign for this disease.